The following is an entry in ClinVar:

ClinVar aggregate classification (germline): Likely pathogenic (1 of 4 stars; one submission).

Conditions:
Fanconi anemia complementation group C (FANCC). Also called: Fanconi anemia, group C; FANCONI PANCYTOPENIA, TYPE 3; FACC; FANCC-Related Fanconi Anemia. Identifiers: Orphanet 84, MedGen C3468041, MONDO:0009213, OMIM 227645.

Submission:

Myriad Genetics, Inc.
Classification: Likely pathogenic for Fanconi anemia complementation group C. Last evaluated: 2020-03-07. Review status: criteria provided, single submitter. Criteria: Myriad Women's Health Autosomal Recessive and X-Linked Classification Criteria (2019). Collection method: clinical testing. Allele origin: unknown.
Comment: NM_000136.2(FANCC):c.323C>A(S108*) is expected to be pathogenic in the context of Fanconi anemia, FANCC-related. This variant is predicted to lead to an abnormal or absent protein product due to the creation of a premature termination codon in FANCC, a gene where loss-of-function variants are known to be pathogenic. Please note: this variant was assessed in the context of healthy population screening.

NM_000136.3(FANCC):c.323C>A (p.Ser108Ter)

Gene: FANCC (FA complementation group C; minus strand). Cytogenetic location: 9q22.32.
Variant type: single nucleotide variant.
Coding change: c.323C>A on transcript NM_000136.3 (MANE Select); coding-DNA position 323, C replaced by A.
Protein change: p.Ser108Ter; replaces serine 108 with a stop codon.
Molecular consequence: nonsense.
Genome position (GRCh38, 1-based): chr9:95,240,671, G>T on the plus strand (C>A on the coding strand, the complement: FANCC is on the minus strand). VCF-style: chr9-95240671-G-T. GRCh37 (hg19) VCF-style: chr9-98002953-G-T.
Other names: c.323C>A, p.Ser108Ter (NM_001243743.2, NM_001243744.2); short protein forms S108*.
Identifiers: ClinVar variation 983717 (VCV000983717.3), dbSNP rs1830581816, ClinGen allele CA374339234.
Genomic context (GRCh38, chr9:95,240,671, plus strand): 5'-TAATTCAAAGAAGTGCAGAGCAAGATTTACTCTCTTACCTGTATCCAGGAGTTAAGTTTT[G>T]ATTGTCCAGAATTCTGTGGTTCTTTGTTAATTAGACAACATAAGCACCATATTAGAATTT-3'